The following is an entry in ClinVar:

ClinVar aggregate classification (germline): Likely benign (1 of 4 stars; one submission).

Submission:

CeGaT Center for Human Genetics Tuebingen
Classification: Likely benign. Last evaluated: 2022-12-01. Review status: criteria provided, single submitter. Criteria: CeGaT Center For Human Genetics Tuebingen Variant Classification Criteria Version 2. Collection method: clinical testing. Allele origin: germline. Affected: yes. Observed: 1 variant allele.
Comment: ALCAM: PM2:Supporting, BP4, BP7

NM_001627.4(ALCAM):c.93A>C (p.Val31=)

Gene: ALCAM (activated leukocyte cell adhesion molecule; plus strand). Cytogenetic location: 3q13.11.
Variant type: single nucleotide variant.
Coding change: c.93A>C on transcript NM_001627.4 (MANE Select); coding-DNA position 93, A replaced by C.
Protein change: p.Val31=; no amino-acid change (valine 31 retained).
Molecular consequence: synonymous variant.
Genome position (GRCh38, 1-based): chr3:105,520,086, A>C. VCF-style: chr3-105520086-A-C. GRCh37 (hg19) VCF-style: chr3-105238930-A-C.
Other names: c.93A>C, p.Val31= (NM_001243280.2, NM_001243281.2, NM_001243283.2).
Identifiers: ClinVar variation 2654016 (VCV002654016.24), dbSNP rs2472620019, ClinGen allele CA434735286.